The following is an entry in ClinVar:

ClinVar aggregate classification (germline): Uncertain significance. Review status: criteria provided, multiple submitters, no conflicts (2 of 4 stars). 2 submissions from 2 submitters: Uncertain significance (2). Last evaluated 2024-07-31.

Conditions:
Malignant hyperthermia, susceptibility to, 1 (MHS1). Also called: Anesthesia related hyperthermia; Malignant hyperpyrexia; Fulminating hyperpyrexia; Pharmacogenic myopathy; RYR1-Related Malignant Hyperthermia Susceptibility; Malignant hyperthermia suceptibility 1. Identifiers: Orphanet 423, MedGen C2930980, MONDO:0007783, OMIM 145600.
RYR1-related disorder. Also called: RYR1-related condition; RYR1-related disorders. Identifiers: MedGen CN239331.

gnomAD v4.1: 6 of 1,613,920 alleles (0.00037%); highest among the groups gnomAD compares: African/African-American, 0.008%; no homozygotes.

Submissions (2):

Labcorp Genetics (formerly Invitae), Labcorp
Classification: Uncertain significance for RYR1-related disorder. Last evaluated: 2024-07-31. Review status: criteria provided, single submitter. Criteria: Invitae Variant Classification Sherloc (09022015). Collection method: clinical testing. Allele origin: germline.
Comment: This sequence change replaces histidine, which is basic and polar, with arginine, which is basic and polar, at codon 104 of the RYR1 protein (p.His104Arg). This variant is present in population databases (rs770495610, gnomAD 0.007%). This variant has not been reported in the literature in individuals affected with RYR1-related conditions. Advanced modeling of protein sequence and biophysical properties (such as structural, functional, and spatial information, amino acid conservation, physicochemical variation, residue mobility, and thermodynamic stability) has been performed at Invitae for this missense variant, however the output from this modeling did not meet the statistical confidence thresholds required to predict the impact of this variant on RYR1 protein function. In summary, the available evidence is currently insufficient to determine the role of this variant in disease. Therefore, it has been classified as a Variant of Uncertain Significance.

Color Diagnostics, LLC DBA Color Health
Classification: Uncertain significance for Malignant hyperthermia, susceptibility to, 1. Last evaluated: 2024-07-23. Review status: criteria provided, single submitter. Criteria: ACMG Guidelines, 2015. Collection method: clinical testing. Allele origin: germline.
Comment: This missense variant replaces histidine with arginine at codon 104 of the RYR1 protein. Computational prediction suggests that this variant may have deleterious impact on protein structure and function. To our knowledge, functional studies have not been reported for this variant. This variant has not been reported in individuals affected with RYR1-related disorders in the literature. This variant has been identified in 1/251262 chromosomes in the general population by the Genome Aggregation Database (gnomAD). The available evidence is insufficient to determine the role of this variant in disease conclusively. Therefore, this variant is classified as a Variant of Uncertain Significance.

NM_000540.3(RYR1):c.311A>G (p.His104Arg)

Gene: RYR1 (ryanodine receptor 1; plus strand). Cytogenetic location: 19q13.2.
Variant type: single nucleotide variant.
Coding change: c.311A>G on transcript NM_000540.3 (MANE Select); coding-DNA position 311, A replaced by G.
Protein change: p.His104Arg; replaces histidine 104 with arginine.
Molecular consequence: missense variant.
Genome position (GRCh38, 1-based): chr19:38,443,598, A>G. VCF-style: chr19-38443598-A-G. GRCh37 (hg19) VCF-style: chr19-38934238-A-G.
Other names: c.311A>G, p.His104Arg (NM_001042723.2); short protein forms H104R.
Identifiers: ClinVar variation 3702494 (VCV003702494.2).
Genomic context (GRCh38, chr19:38,443,598, plus strand): 5'-TTCCCTCCCTCCCCCTGCAGTCATCCCAGGGCGGGGGACACAGGACGCTCCTGTATGGCC[A>G]TGCCATCCTGCTCCGGCATGCACACAGCCGCATGGTGAGTGCAACCTCGGTGGGCGTGGG-3'
Protein context (NP_000531.2, residues 94-114): GGGHRTLLYG[His104Arg]AILLRHAHSR